The following is an entry in ClinVar:

ClinVar aggregate classification (germline): Uncertain significance. Review status: criteria provided, single submitter (1 of 4 stars). 2 submissions from 2 submitters: Uncertain significance (1). 1 of the submissions does not count toward it. Last evaluated 2025-04-05.

Conditions:
PLXNA2-related disorder. Also called: PLXNA2-related condition.

gnomAD v4.1: 32 of 1,614,212 alleles (0.002%); highest among the groups gnomAD compares: Middle Eastern, 0.016%; no homozygotes.

Submissions (2):

Ambry Genetics
Classification: Uncertain significance. Last evaluated: 2025-04-05. Review status: criteria provided, single submitter. Criteria: Ambry Variant Classification Scheme 2023. Collection method: clinical testing. Allele origin: germline.

PreventionGenetics, part of Exact Sciences
Classification: Uncertain significance for PLXNA2-related condition. Last evaluated: 2024-03-28. Review status: no assertion criteria provided. Collection method: clinical testing. Allele origin: germline. Not counted in ClinVar's aggregate classification.
Comment: The PLXNA2 c.1051G>A variant is predicted to result in the amino acid substitution p.Asp351Asn. To our knowledge, this variant has not been reported in the literature. This variant is reported in 0.018% of alleles in individuals of African descent in gnomAD. At this time, the clinical significance of this variant is uncertain due to the absence of conclusive functional and genetic evidence.

NM_025179.4(PLXNA2):c.1051G>A (p.Asp351Asn)

Gene: PLXNA2 (plexin A2; minus strand). Cytogenetic location: 1q32.2.
Variant type: single nucleotide variant.
Coding change: c.1051G>A on transcript NM_025179.4 (MANE Select); coding-DNA position 1051, G replaced by A.
Protein change: p.Asp351Asn; replaces aspartic acid 351 with asparagine.
Molecular consequence: missense variant.
Genome position (GRCh38, 1-based): chr1:208,216,872, C>T on the plus strand (G>A on the coding strand, the complement: PLXNA2 is on the minus strand). VCF-style: chr1-208216872-C-T. GRCh37 (hg19) VCF-style: chr1-208390217-C-T.
Other names: short protein forms D351N.
Identifiers: ClinVar variation 3352720 (VCV003352720.2).